The following is an entry in ClinVar:

ClinVar aggregate classification (germline): Uncertain significance (1 of 4 stars; one submission).

Conditions:
Giant axonal neuropathy 1 (GAN1). Also called: GIANT AXONAL NEUROPATHY 1, AUTOSOMAL RECESSIVE; GAN-Related Neurodegeneration. Identifiers: Orphanet 643, MedGen C1850386, MONDO:0009749, OMIM 256850.

gnomAD v4.1: 1 of 1,613,014 alleles (0.000062%); highest among the groups gnomAD compares: Admixed American, 0.0017%; no homozygotes.

Submission:

Labcorp Genetics (formerly Invitae), Labcorp
Classification: Uncertain significance for Giant axonal neuropathy 1. Last evaluated: 2021-07-22. Review status: criteria provided, single submitter. Criteria: Invitae Variant Classification Sherloc (09022015). Collection method: clinical testing. Allele origin: germline.
Comment: In summary, the available evidence is currently insufficient to determine the role of this variant in disease. Therefore, it has been classified as a Variant of Uncertain Significance. Algorithms developed to predict the effect of missense changes on protein structure and function (SIFT, PolyPhen-2, Align-GVGD) all suggest that this variant is likely to be tolerated. This variant has not been reported in the literature in individuals affected with GAN-related conditions. This variant is not present in population databases (ExAC no frequency). This sequence change replaces methionine with valine at codon 375 of the GAN protein (p.Met375Val). The methionine residue is moderately conserved and there is a small physicochemical difference between methionine and valine.

NM_022041.4(GAN):c.1123A>G (p.Met375Val)

Gene: GAN (gigaxonin; plus strand). Cytogenetic location: 16q23.2.
Variant type: single nucleotide variant.
Coding change: c.1123A>G on transcript NM_022041.4 (MANE Select); coding-DNA position 1123, A replaced by G.
Protein change: p.Met375Val; replaces methionine 375 with valine.
Molecular consequence: missense variant.
Genome position (GRCh38, 1-based): chr16:81,363,830, A>G. VCF-style: chr16-81363830-A-G. GRCh37 (hg19) VCF-style: chr16-81397435-A-G.
Other names: c.484A>G, p.Met162Val (NM_001377486.1); short protein forms M375V, M162V.
Identifiers: ClinVar variation 1406947 (VCV001406947.8), dbSNP rs201252856, ClinGen allele CA396890521.